The following is an entry in ClinVar:

ClinVar aggregate classification (germline): Uncertain significance (1 of 4 stars; one submission).

Conditions:
Hereditary cancer-predisposing syndrome. Also called: Neoplastic Syndromes, Hereditary; Hereditary Cancer Syndrome; Hereditary neoplastic syndrome; Tumor predisposition. Identifiers: Orphanet 140162, MedGen C0027672, MeSH D009386, MONDO:0015356.

Submission:

Ambry Genetics
Classification: Uncertain significance for Hereditary cancer-predisposing syndrome. Last evaluated: 2016-10-20. Review status: criteria provided, single submitter. Criteria: Ambry Variant Classification Scheme 2023. Collection method: clinical testing. Allele origin: germline.
Comment: The p.Q947P variant (also known as c.2840A>C), located in coding exon 18 of the BRIP1 gene, results from an A to C substitution at nucleotide position 2840. The glutamine at codon 947 is replaced by proline, an amino acid with similar properties. This variant was not reported in population based cohorts in the following databases: Database of Single Nucleotide Polymorphisms (dbSNP), NHLBI Exome Sequencing Project (ESP), and 1000 Genomes Project. In the ESP, this variant was not observed in 6503 samples (13006 alleles) with coverage at this position. To date, this alteration has been detected with an allele frequency of approximately 0.001% (greater than 175000 alleles tested) in our clinical cohort. This amino acid position is poorly conserved in available vertebrate species. In addition, this alteration is predicted to be tolerated by in silico analysis. Since supporting evidence is limited at this time, the clinical significance of this alteration remains unclear.

NM_032043.3(BRIP1):c.2840A>C (p.Gln947Pro)

Gene: BRIP1 (BRCA1 interacting DNA helicase 1; minus strand). Cytogenetic location: 17q23.2.
Variant type: single nucleotide variant.
Coding change: c.2840A>C on transcript NM_032043.3 (MANE Select); coding-DNA position 2840, A replaced by C.
Protein change: p.Gln947Pro; replaces glutamine 947 with proline.
Molecular consequence: missense variant.
Genome position (GRCh38, 1-based): chr17:61,685,901, T>G on the plus strand (A>C on the coding strand, the complement: BRIP1 is on the minus strand). VCF-style: chr17-61685901-T-G. GRCh37 (hg19) VCF-style: chr17-59763262-T-G.
Other names: short protein forms Q947P.
Identifiers: ClinVar variation 479452 (VCV000479452.5), dbSNP rs876659756, ClinGen allele CA400481371.